The following is an entry in ClinVar:

ClinVar aggregate classification (germline): Benign. Review status: criteria provided, multiple submitters, no conflicts (2 of 4 stars). 2 submissions from 2 submitters: Benign (2). Last evaluated 2018-01-12.

Conditions:
Vitamin K-dependent clotting factors, combined deficiency of, type 1. Also called: FACTORS II, VII, IX, AND X, COMBINED DEFICIENCY OF; FAMILIAL MULTIPLE COAGULATION FACTOR DEFICIENCY III; FMFD III; GLUTAMIC ACID, DEFICIENT GAMMA-CARBOXYLATION OF; MULTIPLE COAGULATION FACTOR DEFICIENCY III; VITAMIN K-DEPENDENT COAGULATION DEFECT. Identifiers: Orphanet 98434, MedGen C1848534, MONDO:0010187, OMIM 277450.

Allele frequency attached by ClinVar (database versions not stated): gnomAD 0.12606 and 0.12059; TOPMed 0.12655; gnomAD exomes 0.04545; 1000 Genomes Project 0.10763; 1000 Genomes Project 30x 0.11087.
gnomAD v4.1: 18,242 of 152,176 alleles (12%); highest among the groups gnomAD compares: African/African-American, 27%; 1,745 homozygotes.

Submissions (2):

Illumina Laboratory Services, Illumina
Classification: Benign for Vitamin K-dependent clotting factors, combined deficiency of, type 1. Last evaluated: 2018-01-12. Review status: criteria provided, single submitter. Criteria: ICSL Variant Classification Criteria 13 December 2019. Collection method: clinical testing. Allele origin: germline.
Comment: This variant was observed in the ICSL laboratory as part of a predisposition screen in an ostensibly healthy population. It had not been previously curated by ICSL or reported in the Human Gene Mutation Database (HGMD: prior to June 1st, 2018), and was therefore a candidate for classification through an automated scoring system. Utilizing variant allele frequency, disease prevalence and penetrance estimates, and inheritance mode, an automated score was calculated to assess if this variant is too frequent to cause the disease. Based on the score and internal cut-off values, a variant classified as benign is not then subjected to further curation. The score for this variant resulted in a classification of benign for this disease.

Breakthrough Genomics
Classification: Benign. Review status: criteria provided, single submitter. Criteria: ACMG Guidelines, 2015. Collection method: not provided. Allele origin: germline. Inheritance: Autosomal recessive inheritance. Affected: yes.

NM_000821.7(GGCX):c.*3805A>G

Gene: GGCX (gamma-glutamyl carboxylase; minus strand). Cytogenetic location: 2p11.2.
Variant type: single nucleotide variant.
Coding change: c.*3805A>G on transcript NM_000821.7 (MANE Select); 3805 bases downstream of the stop codon, A replaced by G.
Molecular consequence: 3 prime UTR variant.
Genome position (GRCh38, 1-based): chr2:85,546,129, T>C on the plus strand (A>G on the coding strand, the complement: GGCX is on the minus strand). VCF-style: chr2-85546129-T-C. GRCh37 (hg19) VCF-style: chr2-85773252-T-C.
Other names: c.*3805A>G (NM_001142269.4).
Identifiers: ClinVar variation 337190 (VCV000337190.6), dbSNP rs12470957, ClinGen allele CA10616145.
Genomic context (GRCh38, chr2:85,546,129, plus strand): 5'-TGTAGAGCCAAGGAGTGCTTGCTTATGCCTGTTTGCATGGAGACTTAAAAACTTGGAAAT[T>C]TGGAGGCCAGGCGGAGTGGCCTGTAATATAGGCCACTATATAGTAATATAGGCGTGAGCC-3'